The following is an entry in ClinVar:

ClinVar aggregate classification (germline): Uncertain significance (1 of 4 stars; one submission).

Submission:

GeneDx
Classification: Uncertain significance. Last evaluated: 2023-07-31. Review status: criteria provided, single submitter. Criteria: GeneDx Variant Classification Process June 2021. Collection method: clinical testing. Allele origin: germline. Affected: yes.
Comment: Not observed at significant frequency in large population cohorts (gnomAD); In silico analysis supports that this missense variant has a deleterious effect on protein structure/function; Has not been previously published as pathogenic or benign to our knowledge

NM_000717.5(CA4):c.14T>A (p.Leu5Gln)

Gene: CA4 (carbonic anhydrase 4; plus strand). Cytogenetic location: 17q23.1.
Variant type: single nucleotide variant.
Coding change: c.14T>A on transcript NM_000717.5 (MANE Select); coding-DNA position 14, T replaced by A.
Protein change: p.Leu5Gln; replaces leucine 5 with glutamine.
Molecular consequence: missense variant. On other transcripts: non-coding transcript variant (1).
Genome position (GRCh38, 1-based): chr17:60,150,048, T>A. VCF-style: chr17-60150048-T-A. GRCh37 (hg19) VCF-style: chr17-58227409-T-A.
Other names: short protein forms L5Q.
Identifiers: ClinVar variation 3361130 (VCV003361130.1).
Genomic context (GRCh38, chr17:60,150,048, plus strand): 5'-CTCGGTGCGCGACCCCCGGCTCAGAGGACTCTTTGCTGTCCCGCAAGATGCGGATGCTGC[T>A]GGCGCTCCTGGCCCTCTCCGCGGCGCGGCCATCGGCCAGTGCAGGTGAGCTCCCGGGCTC-3'
Protein context (NP_000708.1, residues 1-15): MRML[Leu5Gln]ALLALSAARP